The following is an entry in ClinVar:

ClinVar aggregate classification (germline): Pathogenic (1 of 4 stars; one submission).

Conditions:
LAMB2-related infantile-onset nephrotic syndrome. Also called: Nephrotic Syndrome, type 5; NEPHROTIC SYNDROME, TYPE 5, WITHOUT OCULAR ABNORMALITIES; NEPHROTIC SYNDROME, TYPE 5, WITH OCULAR ABNORMALITIES. Identifiers: Orphanet 306507, MedGen C3280113, MONDO:0013621, OMIM 614199.
Pierson syndrome. Also called: MICROCORIA-CONGENITAL NEPHROTIC SYNDROME. Identifiers: Orphanet 2670, MedGen C1836876, MONDO:0012184, OMIM 609049.

Submission:

Labcorp Genetics (formerly Invitae), Labcorp
Classification: Pathogenic for LAMB2-related infantile-onset nephrotic syndrome; Pierson syndrome. Last evaluated: 2019-08-23. Review status: criteria provided, single submitter. Criteria: Invitae Variant Classification Sherloc (09022015). Collection method: clinical testing. Allele origin: germline.
Comment: A gross deletion of the genomic region encompassing the full coding sequence of the LAMB2 gene has been identified. The boundaries of this event are unknown as the deletion extends beyond the assayed region for this gene and therefore may encompass additional genes. This variant has not been reported in the literature in individuals with LAMB2-related conditions. Loss-of-function variants in LAMB2 are known to be pathogenic (PMID: 15367484). For these reasons, this variant has been classified as Pathogenic.

Literature cited by the submitters: PubMed 15367484.

NC_000003.12:g.(?_49121216)_(49533209_?)del

Genes: DAG1 (dystroglycan 1; plus strand), GPX1 (glutathione peroxidase 1; minus strand), AMT (aminomethyltransferase; minus strand), IHO1 (interactor of HORMAD1 1; plus strand), NICN1 (nicolin 1, tubulin polyglutamylase complex subunit; minus strand) and 8 more. Cytogenetic location: 3p21.31.
Variant type: Deletion.
Identifiers: ClinVar variation 833037 (VCV000833037.5).